The following is an entry in ClinVar:

NM_002474.3(MYH11):c.3407A>T (p.Lys1136Met)

Gene: MYH11 (myosin heavy chain 11; minus strand). Cytogenetic location: 16p13.11.
Variant type: single nucleotide variant.
Coding change: c.3407A>T on transcript NM_002474.3 (MANE Select); coding-DNA position 3407, A replaced by T.
Protein change: p.Lys1136Met; replaces lysine 1136 with methionine.
Molecular consequence: missense variant.
Genome position (GRCh38, 1-based): chr16:15,735,465, T>A on the plus strand (A>T on the coding strand, the complement: MYH11 is on the minus strand). VCF-style: chr16-15735465-T-A. GRCh37 (hg19) VCF-style: chr16-15829322-T-A.
Other names: c.3407A>T (NM_002474.2); c.3428A>T, p.Lys1143Met (NM_001040113.2, NM_001040114.2); c.3407A>T, p.Lys1136Met (NM_022844.3); short protein forms K1136M, K1143M.
Identifiers: ClinVar variation 1061448 (VCV001061448.7), dbSNP rs2151240909, ClinGen allele CA394861941.

ClinVar aggregate classification (germline): Uncertain significance. Review status: criteria provided, multiple submitters, no conflicts (2 of 4 stars). 2 submissions from 2 submitters: Uncertain significance (2). Last evaluated 2025-08-06.

Conditions:
Familial thoracic aortic aneurysm and aortic dissection (TAAD). Also called: Thoracic aortic aneurysms and dissections. Identifiers: Orphanet 91387, MedGen C4707243, MONDO:0019625.
Aortic aneurysm, familial thoracic 4 (AAT4). Also called: AORTIC ANEURYSM/AORTIC DISSECTION AND PATENT DUCTUS ARTERIOSUS. Identifiers: MedGen C1851504, MONDO:0007568, OMIM 132900.

Submissions (2):

Ambry Genetics
Classification: Uncertain significance for Familial thoracic aortic aneurysm and aortic dissection. Last evaluated: 2025-08-06. Review status: criteria provided, single submitter. Criteria: Ambry Variant Classification Scheme 2023. Collection method: clinical testing. Allele origin: germline.

Labcorp Genetics (formerly Invitae), Labcorp
Classification: Uncertain significance for Aortic aneurysm, familial thoracic 4. Last evaluated: 2021-08-27. Review status: criteria provided, single submitter. Criteria: Invitae Variant Classification Sherloc (09022015). Collection method: clinical testing. Allele origin: germline.
Comment: This sequence change replaces lysine with methionine at codon 1143 of the MYH11 protein (p.Lys1143Met). The lysine residue is highly conserved and there is a moderate physicochemical difference between lysine and methionine. This variant is not present in population databases (ExAC no frequency). This variant has not been reported in the literature in individuals affected with MYH11-related conditions. Algorithms developed to predict the effect of missense changes on protein structure and function (SIFT, PolyPhen-2, Align-GVGD) all suggest that this variant is likely to be disruptive. In summary, the available evidence is currently insufficient to determine the role of this variant in disease. Therefore, it has been classified as a Variant of Uncertain Significance.